The following is an entry in ClinVar:

ClinVar aggregate classification (germline): Conflicting classifications of pathogenicity. Review status: criteria provided, conflicting classifications (1 of 4 stars). 3 submissions from 3 submitters: Uncertain significance (2); Likely benign (1). Last evaluated 2025-12-20.

Conditions:
Acrocallosal syndrome (ACLS). Also called: HALLUX DUPLICATION, POSTAXIAL POLYDACTYLY, AND ABSENCE OF CORPUS CALLOSUM; Schinzel syndrome 1; Absence of corpus callosum with unusual facial appearance, mental deficiency, duplication of the halluces and polydactyly. Identifiers: Orphanet 36, MedGen C0796147, MONDO:0008708, OMIM 200990.

Allele frequency attached by ClinVar (database versions not stated): gnomAD exomes 0.00002 and 0.00009; ExAC 0.00013; 1000 Genomes Project 30x 0.00016; 1000 Genomes Project 0.00020; gnomAD 0.00026 and 0.00030; ESP Exome Variant Server 0.00031; TOPMed 0.00039.

Submissions (3):

Labcorp Genetics (formerly Invitae), Labcorp
Classification: Uncertain significance for Acrocallosal syndrome. Last evaluated: 2025-12-20. Review status: criteria provided, single submitter. Criteria: Invitae Variant Classification Sherloc (09022015). Collection method: clinical testing. Allele origin: germline.
Comment: This sequence change replaces alanine, which is neutral and non-polar, with aspartic acid, which is acidic and polar, at codon 997 of the KIF7 protein (p.Ala997Asp). This variant is present in population databases (rs146841447, gnomAD 0.1%). This variant has not been reported in the literature in individuals affected with KIF7-related conditions. ClinVar contains an entry for this variant (Variation ID: 1055388). Invitae Evidence Modeling of protein sequence and biophysical properties (such as structural, functional, and spatial information, amino acid conservation, physicochemical variation, residue mobility, and thermodynamic stability) indicates that this missense variant is not expected to disrupt KIF7 protein function with a negative predictive value of 80%. In summary, the available evidence is currently insufficient to determine the role of this variant in disease. Therefore, it has been classified as a Variant of Uncertain Significance.

Blueprint Genetics
Classification: Likely benign. Last evaluated: 2023-12-18. Review status: criteria provided, single submitter. Criteria: ACMG Guidelines, 2015. Collection method: clinical testing. Allele origin: germline.

GeneDx
Classification: Uncertain significance. Last evaluated: 2022-05-03. Review status: criteria provided, single submitter. Criteria: GeneDx Variant Classification Process June 2021. Collection method: clinical testing. Allele origin: germline. Affected: yes.
Comment: In silico analysis supports that this missense variant has a deleterious effect on protein structure/function; Has not been previously published as pathogenic or benign to our knowledge

NM_198525.3(KIF7):c.2990C>A (p.Ala997Asp)

Gene: KIF7 (kinesin family member 7; minus strand). Cytogenetic location: 15q26.1.
Variant type: single nucleotide variant.
Coding change: c.2990C>A on transcript NM_198525.3 (MANE Select); coding-DNA position 2990, C replaced by A.
Protein change: p.Ala997Asp; replaces alanine 997 with aspartic acid.
Molecular consequence: missense variant.
Genome position (GRCh38, 1-based): chr15:89,631,616, G>T on the plus strand (C>A on the coding strand, the complement: KIF7 is on the minus strand). VCF-style: chr15-89631616-G-T. GRCh37 (hg19) VCF-style: chr15-90174847-G-T.
Other names: short protein forms A997D.
Identifiers: ClinVar variation 1055388 (VCV001055388.8), dbSNP rs146841447, ClinGen allele CA7727864.